The following is an entry in ClinVar:

ClinVar aggregate classification (germline): Likely benign (0 of 4 stars; one submission).

Conditions:
VARS1-related disorder. Also called: VARS1-related condition.

Submission:

PreventionGenetics, part of Exact Sciences
Classification: Likely benign for VARS1-related condition. Last evaluated: 2019-08-13. Review status: no assertion criteria provided. Collection method: clinical testing. Allele origin: germline.
Comment: This variant is classified as likely benign based on ACMG/AMP sequence variant interpretation guidelines (Richards et al. 2015 PMID: 25741868, with internal and published modifications).

NM_006295.3(VARS1):c.2348-8TC[2]

Gene: VARS1 (valyl-tRNA synthetase 1; minus strand). Cytogenetic location: 6p21.33.
Variant type: Microsatellite.
Coding change: c.2348-8TC[2] on transcript NM_006295.3 (MANE Select); two copies in a row of the 2-base unit TC starting at c.2348-8; the reference has three copies in a row; one copy, 2 bases deleted.
Molecular consequence: intron variant.
Genome position (GRCh38, 1-based): chr6:31,781,764-31,781,765, GA deleted on the plus strand (TC on the coding strand, the reverse complement: VARS1 is on the minus strand); deleting any 2 consecutive bases within chr6:31,781,764-31,781,770 gives the same sequence; the position shown is the placement nearest the transcript's 3' end. VCF-style (leftmost placement, unchanged base first): chr6-31781763-TGA-T. GRCh37 (hg19) VCF-style: chr6-31749540-TGA-T.
Identifiers: ClinVar variation 3053017 (VCV003053017.2), dbSNP rs776894128, ClinGen allele CA3722987.